The following is an entry in ClinVar:

ClinVar aggregate classification (germline): Uncertain significance. Review status: criteria provided, multiple submitters, no conflicts (2 of 4 stars). 4 submissions from 4 submitters: Uncertain significance (4). Last evaluated 2026-10-24.

Conditions:
Cardiovascular phenotype. Identifiers: MedGen CN230736.
Alstrom syndrome (ALMS). Identifiers: Orphanet 64, MedGen C0268425, MONDO:0008763, OMIM 203800.

Allele frequency attached by ClinVar (database versions not stated): 1000 Genomes Project 0.00020; gnomAD exomes 0.00002; gnomAD 0.00009; ExAC 0.00002; TOPMed 0.00006; 1000 Genomes Project 30x 0.00031.
gnomAD v4.1: 43 of 1,613,992 alleles (0.0027%); highest among the groups gnomAD compares: African/African-American, 0.02%; no homozygotes.

Submissions (4):

GeneDx
Classification: Uncertain significance. Last evaluated: 2026-10-24. Review status: criteria provided, single submitter. Criteria: GeneDx Variant Classification Process June 2021. Collection method: clinical testing. Allele origin: germline.
Comment: Not observed at significant frequency in large population cohorts (gnomAD); In silico analysis supports that this missense variant has a deleterious effect on protein structure/function; Has not been previously published as pathogenic or benign to our knowledge

Labcorp Genetics (formerly Invitae), Labcorp
Classification: Uncertain significance for Alstrom syndrome. Last evaluated: 2026-01-19. Review status: criteria provided, single submitter. Criteria: Invitae Variant Classification Sherloc (09022015). Collection method: clinical testing. Allele origin: germline.
Comment: This sequence change replaces arginine, which is basic and polar, with tryptophan, which is neutral and slightly polar, at codon 2565 of the ALMS1 protein (p.Arg2565Trp). This variant is present in population databases (rs554047243, gnomAD 0.009%). This variant has not been reported in the literature in individuals affected with ALMS1-related conditions. ClinVar contains an entry for this variant (Variation ID: 1760164). Experimental studies and prediction algorithms are not available or were not evaluated, and the functional significance of this variant is currently unknown. In summary, the available evidence is currently insufficient to determine the role of this variant in disease. Therefore, it has been classified as a Variant of Uncertain Significance.

Ambry Genetics
Classification: Uncertain significance for Cardiovascular phenotype. Last evaluated: 2025-01-13. Review status: criteria provided, single submitter. Criteria: Ambry Variant Classification Scheme 2023. Collection method: clinical testing. Allele origin: germline.
Comment: The p.R2565W variant (also known as c.7693C>T), located in coding exon 10 of the ALMS1 gene, results from a C to T substitution at nucleotide position 7693. The arginine at codon 2565 is replaced by tryptophan, an amino acid with dissimilar properties. This amino acid position is not well conserved in available vertebrate species. In addition, the in silico prediction for this alteration is inconclusive. Since supporting evidence is limited at this time, the clinical significance of this alteration remains unclear.

Blueprint Genetics
Classification: Uncertain significance. Last evaluated: 2024-05-08. Review status: criteria provided, single submitter. Criteria: ACMG Guidelines, 2015. Collection method: clinical testing. Allele origin: germline.

NM_001378454.1(ALMS1):c.7690C>T (p.Arg2564Trp)

Gene: ALMS1 (ALMS1 centrosome and basal body associated protein; plus strand). Cytogenetic location: 2p13.1.
Variant type: single nucleotide variant.
Coding change: c.7690C>T on transcript NM_001378454.1 (MANE Select); coding-DNA position 7690, C replaced by T.
Protein change: p.Arg2564Trp; replaces arginine 2564 with tryptophan.
Molecular consequence: missense variant.
Genome position (GRCh38, 1-based): chr2:73,489,649, C>T. VCF-style: chr2-73489649-C-T. GRCh37 (hg19) VCF-style: chr2-73716776-C-T.
Other names: c.7693C>T, p.Arg2565Trp (NM_015120.4); short protein forms R2564W, R2565W.
Identifiers: ClinVar variation 1760164 (VCV001760164.10), dbSNP rs554047243, ClinGen allele CA1714321.